The following is an entry in ClinVar:

ClinVar aggregate classification (germline): Uncertain significance (1 of 4 stars; one submission).

Allele frequency attached by ClinVar (database versions not stated): gnomAD exomes below 0.00001.
gnomAD v4.1: 3 of 1,612,612 alleles (0.00019%); highest among the groups gnomAD compares: Admixed American, 0.0033%; no homozygotes.

Submission:

Labcorp Genetics (formerly Invitae), Labcorp
Classification: Uncertain significance. Last evaluated: 2021-11-19. Review status: criteria provided, single submitter. Criteria: Invitae Variant Classification Sherloc (09022015). Collection method: clinical testing. Allele origin: germline.
Comment: In summary, the available evidence is currently insufficient to determine the role of this variant in disease. Therefore, it has been classified as a Variant of Uncertain Significance. Algorithms developed to predict the effect of missense changes on protein structure and function output the following: SIFT: "Tolerated"; PolyPhen-2: "Benign"; Align-GVGD: "Class C0". The glycine amino acid residue is found in multiple mammalian species, which suggests that this missense change does not adversely affect protein function. This variant has not been reported in the literature in individuals affected with CACNA2D4-related conditions. This variant is present in population databases (no rsID available, gnomAD 0.003%). This sequence change replaces aspartic acid, which is acidic and polar, with glycine, which is neutral and non-polar, at codon 1095 of the CACNA2D4 protein (p.Asp1095Gly).

NM_172364.5(CACNA2D4):c.3284A>G (p.Asp1095Gly)

Gene: CACNA2D4 (calcium voltage-gated channel auxiliary subunit alpha2delta 4; minus strand). Cytogenetic location: 12p13.33.
Variant type: single nucleotide variant.
Coding change: c.3284A>G on transcript NM_172364.5 (MANE Select); coding-DNA position 3284, A replaced by G.
Protein change: p.Asp1095Gly; replaces aspartic acid 1095 with glycine.
Molecular consequence: missense variant.
Genome position (GRCh38, 1-based): chr12:1,795,324, T>C on the plus strand (A>G on the coding strand, the complement: CACNA2D4 is on the minus strand). VCF-style: chr12-1795324-T-C. GRCh37 (hg19) VCF-style: chr12-1904490-T-C.
Other names: short protein forms D1095G.
Identifiers: ClinVar variation 1423061 (VCV001423061.6), dbSNP rs1463485047, ClinGen allele CA383348027.